The following is an entry in ClinVar:

NM_002691.4(POLD1):c.449C>T (p.Thr150Ile)

Gene: POLD1 (DNA polymerase delta 1, catalytic subunit; plus strand). Cytogenetic location: 19q13.33.
Variant type: single nucleotide variant.
Coding change: c.449C>T on transcript NM_002691.4 (MANE Select); coding-DNA position 449, C replaced by T.
Protein change: p.Thr150Ile; replaces threonine 150 with isoleucine.
Molecular consequence: missense variant. On other transcripts: non-coding transcript variant (1).
Genome position (GRCh38, 1-based): chr19:50,401,910, C>T. VCF-style: chr19-50401910-C-T. GRCh37 (hg19) VCF-style: chr19-50905167-C-T.
Other names: c.449C>T, p.Thr150Ile (NM_001256849.1, NM_001308632.1); short protein forms T150I.
Identifiers: ClinVar variation 537086 (VCV000537086.10), dbSNP rs1555789803, ClinGen allele CA406972743.

ClinVar aggregate classification (germline): Uncertain significance (1 of 4 stars; one submission).

Conditions:
POLD1-related polyposis and colorectal cancer syndrome (CRCS10). Also called: Colorectal cancer 10; COLORECTAL CANCER, SUSCEPTIBILITY TO, ON CHROMOSOME 19q; Colorectal cancer, susceptibility to, 10. Identifiers: Orphanet 220460, MedGen C2675481, MONDO:0012953, OMIM 612591.

Submission:

Labcorp Genetics (formerly Invitae), Labcorp
Classification: Uncertain significance for POLD1-related polyposis and colorectal cancer syndrome. Last evaluated: 2024-07-25. Review status: criteria provided, single submitter. Criteria: Invitae Variant Classification Sherloc (09022015). Collection method: clinical testing. Allele origin: germline.
Comment: This sequence change replaces threonine, which is neutral and polar, with isoleucine, which is neutral and non-polar, at codon 150 of the POLD1 protein (p.Thr150Ile). This variant is not present in population databases (gnomAD no frequency). This variant has not been reported in the literature in individuals affected with POLD1-related conditions. ClinVar contains an entry for this variant (Variation ID: 537086). Advanced modeling of protein sequence and biophysical properties (such as structural, functional, and spatial information, amino acid conservation, physicochemical variation, residue mobility, and thermodynamic stability) performed at Invitae indicates that this missense variant is not expected to disrupt POLD1 protein function with a negative predictive value of 80%. In summary, the available evidence is currently insufficient to determine the role of this variant in disease. Therefore, it has been classified as a Variant of Uncertain Significance.